The following is an entry in ClinVar:

NM_020435.4(GJC2):c.693G>T (p.Gln231His)

Gene: GJC2 (gap junction protein gamma 2; plus strand). Cytogenetic location: 1q42.13.
Variant type: single nucleotide variant.
Coding change: c.693G>T on transcript NM_020435.4 (MANE Select); coding-DNA position 693, G replaced by T.
Protein change: p.Gln231His; replaces glutamine 231 with histidine.
Molecular consequence: missense variant.
Genome position (GRCh38, 1-based): chr1:228,158,451, G>T. VCF-style: chr1-228158451-G-T. GRCh37 (hg19) VCF-style: chr1-228346152-G-T.
Other names: short protein forms Q231H.
Identifiers: ClinVar variation 3336778 (VCV003336778.2).

ClinVar aggregate classification (germline): Likely pathogenic (1 of 4 stars; one submission).

Conditions:
Leukodystrophy, hypomyelinating, 2. Also called: PELIZAEUS-MERZBACHER-LIKE DISEASE, 1. Identifiers: Orphanet 280270, Orphanet 280282, MedGen C1837355, MONDO:0012125, OMIM 608804.

Submission:

Molecular Diagnostics Lab, Nemours Children's Health, Delaware
Classification: Likely pathogenic for Leukodystrophy, hypomyelinating, 2. Last evaluated: 2021-04-16. Review status: criteria provided, single submitter. Criteria: ACMG Guidelines, 2015. Collection method: clinical testing. Allele origin: unknown. Inheritance: Autosomal recessive inheritance. Affected: yes. Observed: 2 compound heterozygotes.
Comment: This missense variant (c.693G>T, p.Gln231His) has not been observed in population databases (gnomAD) and has not been reported in the literature. Variant prediction programs support a deleterious effect, but no functional studies have been published.